The following is an entry in ClinVar:

NM_000843.4(GRM6):c.721+1G>C

Gene: GRM6 (glutamate metabotropic receptor 6; minus strand). Cytogenetic location: 5q35.3.
Variant type: single nucleotide variant.
Coding change: c.721+1G>C on transcript NM_000843.4 (MANE Select); the canonical splice donor site of the intron after coding-DNA position 721, G replaced by C.
Molecular consequence: splice donor variant.
Genome position (GRCh38, 1-based): chr5:178,991,866, C>G on the plus strand (G>C on the coding strand, the complement: GRM6 is on the minus strand). VCF-style: chr5-178991866-C-G. GRCh37 (hg19) VCF-style: chr5-178418867-C-G.
Identifiers: ClinVar variation 3656301 (VCV003656301.2).
Genomic context (GRCh38, chr5:178,991,866, plus strand): 5'-AACTGAGGGCCCCGGGCCCACACTATGTAGACTCCTTGGTGCCTCGGAGCCCCCAGCTCA[C>G]CAGCCTCTCGGGAGATCTGAACGAAGGCCTCAACCCCACTTTCGCCATAGTTGCCCTCGG-3'

ClinVar aggregate classification (germline): Likely pathogenic (1 of 4 stars; one submission).

gnomAD v4.1: 1 of 1,613,066 alleles (0.000062%); highest among the groups gnomAD compares: South Asian, 0.0011%; no homozygotes.

Submission:

Labcorp Genetics (formerly Invitae), Labcorp
Classification: Likely pathogenic. Last evaluated: 2025-03-31. Review status: criteria provided, single submitter. Criteria: Invitae Variant Classification Sherloc (09022015). Collection method: clinical testing. Allele origin: germline.
Comment: This sequence change affects a donor splice site in intron 2 of the GRM6 gene. It is expected to disrupt RNA splicing. Variants that disrupt the donor or acceptor splice site typically lead to a loss of protein function (PMID: 16199547), and loss-of-function variants in GRM6 are known to be pathogenic (PMID: 15781871, 16622103, 22008250). This variant is present in population databases (no rsID available, gnomAD 0.003%). This variant has not been reported in the literature in individuals affected with GRM6-related conditions. Algorithms developed to predict the effect of sequence changes on RNA splicing suggest that this variant may disrupt the consensus splice site. In summary, the currently available evidence indicates that the variant is pathogenic, but additional data are needed to prove that conclusively. Therefore, this variant has been classified as Likely Pathogenic.

Literature cited by the submitters: PubMed 16199547; PubMed 15781871; PubMed 16622103; PubMed 22008250.